The following is an entry in ClinVar:

NM_001271.4(CHD2):c.830C>G (p.Thr277Ser)

Gene: CHD2 (chromodomain helicase DNA binding protein 2; plus strand). Cytogenetic location: 15q26.1.
Variant type: single nucleotide variant.
Coding change: c.830C>G on transcript NM_001271.4 (MANE Select); coding-DNA position 830, C replaced by G.
Protein change: p.Thr277Ser; replaces threonine 277 with serine.
Molecular consequence: missense variant.
Genome position (GRCh38, 1-based): chr15:92,942,846, C>G. VCF-style: chr15-92942846-C-G. GRCh37 (hg19) VCF-style: chr15-93486076-C-G.
Other names: c.830C>G, p.Thr277Ser (NM_001042572.3); short protein forms T277S.
Identifiers: ClinVar variation 1309023 (VCV001309023.2), dbSNP rs2141787330, ClinGen allele CA393901241.

ClinVar aggregate classification (germline): Uncertain significance (1 of 4 stars; one submission).

Submission:

GeneDx
Classification: Uncertain significance. Last evaluated: 2019-10-02. Review status: criteria provided, single submitter. Criteria: GeneDx Variant Classification Process June 2021. Collection method: clinical testing. Allele origin: germline. Affected: yes.
Comment: Not observed in large population cohorts (Lek et al., 2016); In silico analysis, which includes protein predictors and evolutionary conservation, supports a deleterious effect; Has not been previously published as pathogenic or benign to our knowledge